The following is an entry in ClinVar:

NM_000552.5(VWF):c.874+2T>C

Gene: VWF (von Willebrand factor; minus strand). Cytogenetic location: 12p13.31.
Variant type: single nucleotide variant.
Coding change: c.874+2T>C on transcript NM_000552.5 (MANE Select); the canonical splice donor site of the intron after coding-DNA position 874, T replaced by C.
Molecular consequence: splice donor variant.
Genome position (GRCh38, 1-based): chr12:6,075,333, A>G on the plus strand (T>C on the coding strand, the complement: VWF is on the minus strand). VCF-style: chr12-6075333-A-G. GRCh37 (hg19) VCF-style: chr12-6184499-A-G.
Identifiers: ClinVar variation 1065268 (VCV001065268.3), dbSNP rs1944829900, ClinGen allele CA383507961.

ClinVar aggregate classification (germline): Uncertain significance (0 of 4 stars; one submission).

Conditions:
von Willebrand disease type 3 (VWD3). Also called: Type 3 Von Willebrand's disease; Type 3 VWD; Von Willebrand disease, severe form; V WD3; VON WILLEBRAND DISEASE, TYPE III. Identifiers: Orphanet 166096, MedGen C1264041, MONDO:0010191, OMIM 277480.

Allele frequency attached by ClinVar (database versions not stated): gnomAD 0.00002.
gnomAD v4.1: 3 of 1,613,796 alleles (0.00019%); no homozygotes.

Submission:

Angelo Bianchi Bonomi Hemophilia and Thrombosis Center, Fondazione IRCCS Ca Granda Ospedale Maggiore Policlinico
Classification: Uncertain significance for von Willebrand disease type 3. Last evaluated: 2020-11-01. Review status: no assertion criteria provided. Collection method: clinical testing. Allele origin: germline. Affected: yes. Study: Type 3 Von Willebrand International Registries Inhibitor Prospective Study (3WINTERS-IPS).
Comment: ClinGen Pathogenicity Calculator